The following is an entry in ClinVar:

NM_002615.7(SERPINF1):c.29T>C (p.Ile10Thr)

Gene: SERPINF1 (serpin family F member 1; plus strand). Cytogenetic location: 17p13.3.
Variant type: single nucleotide variant.
Coding change: c.29T>C on transcript NM_002615.7 (MANE Select); coding-DNA position 29, T replaced by C.
Protein change: p.Ile10Thr; replaces isoleucine 10 with threonine.
Molecular consequence: missense variant. On other transcripts: intron variant (1).
Genome position (GRCh38, 1-based): chr17:1,766,939, T>C. VCF-style: chr17-1766939-T-C. GRCh37 (hg19) VCF-style: chr17-1670233-T-C.
Other names: c.29T>C, p.Ile10Thr (NM_001329903.2); c.-477-2913T>C (NM_001329904.2); c.29T>C (NM_002615.5); short protein forms I10T.
Identifiers: ClinVar variation 1397364 (VCV001397364.7), dbSNP rs867577632, ClinGen allele CA286836290.
Genomic context (GRCh38, chr17:1,766,939, plus strand): 5'-TGCTGCCTCGTTCTTTTCTTGCAGGCCCCAGGATGCAGGCCCTGGTGCTACTCCTCTGCA[T>C]TGGAGCCCTCCTCGGGCACAGCAGCTGCCAGAACCCTGCCAGCCCCCCGGAGGAGGTCAG-3'
Protein context (NP_002606.3, residues 1-20): MQALVLLLC[Ile10Thr]GALLGHSSCQ

ClinVar aggregate classification (germline): Conflicting classifications of pathogenicity. Review status: criteria provided, conflicting classifications (1 of 4 stars). 2 submissions from 2 submitters: Uncertain significance (1); Likely benign (1). Last evaluated 2023-05-15.

Conditions:
Inborn genetic diseases. Identifiers: MedGen C0950123, MeSH D030342.

Allele frequency attached by ClinVar (database versions not stated): TOPMed 0.00006; gnomAD 0.00006.
gnomAD v4.1: 28 of 1,565,506 alleles (0.0018%); highest among the groups gnomAD compares: African/African-American, 0.015%; no homozygotes.

Submissions (2):

Ambry Genetics
Classification: Likely benign for Inborn genetic diseases. Last evaluated: 2023-05-15. Review status: criteria provided, single submitter. Criteria: Ambry Variant Classification Scheme 2023. Collection method: clinical testing. Allele origin: germline.

Labcorp Genetics (formerly Invitae), Labcorp
Classification: Uncertain significance. Last evaluated: 2023-02-24. Review status: criteria provided, single submitter. Criteria: Invitae Variant Classification Sherloc (09022015). Collection method: clinical testing. Allele origin: germline.
Comment: This sequence change replaces isoleucine, which is neutral and non-polar, with threonine, which is neutral and polar, at codon 10 of the SERPINF1 protein (p.Ile10Thr). The frequency data for this variant in the population databases is considered unreliable, as metrics indicate poor data quality at this position in the gnomAD database. This variant has not been reported in the literature in individuals affected with SERPINF1-related conditions. ClinVar contains an entry for this variant (Variation ID: 1397364). Algorithms developed to predict the effect of missense changes on protein structure and function output the following: SIFT: "Not Available"; PolyPhen-2: "Not Available"; Align-GVGD: "Not Available". The threonine amino acid residue is found in multiple mammalian species, which suggests that this missense change does not adversely affect protein function. In summary, the available evidence is currently insufficient to determine the role of this variant in disease. Therefore, it has been classified as a Variant of Uncertain Significance.